The following is an entry in ClinVar:

NM_017864.4(INTS8):c.131-9A>G

Gene: INTS8 (integrator complex subunit 8; plus strand). Cytogenetic location: 8q22.1.
Variant type: single nucleotide variant.
Coding change: c.131-9A>G on transcript NM_017864.4 (MANE Select); 9 bases into the intron before coding-DNA position 131, A replaced by G.
Molecular consequence: intron variant.
Genome position (GRCh38, 1-based): chr8:94,824,884, A>G. VCF-style: chr8-94824884-A-G. GRCh37 (hg19) VCF-style: chr8-95837112-A-G.
Identifiers: ClinVar variation 3055544 (VCV003055544.2), dbSNP rs145234611, ClinGen allele CA4813233.

ClinVar aggregate classification (germline): Benign (0 of 4 stars; one submission).

Conditions:
INTS8-related disorder. Also called: INTS8-related condition.

Allele frequency attached by ClinVar (database versions not stated): ESP Exome Variant Server 0.01108; gnomAD exomes 0.01358; TOPMed 0.01555; gnomAD 0.01628; ExAC 0.01892; 1000 Genomes Project 30x 0.02889; 1000 Genomes Project 0.03055.
gnomAD v4.1: 21,942 of 1,562,226 alleles (1.4%); highest among the groups gnomAD compares: East Asian, 7%; 307 homozygotes.

Submission:

PreventionGenetics, part of Exact Sciences
Classification: Benign for INTS8-related condition. Last evaluated: 2019-11-19. Review status: no assertion criteria provided. Collection method: clinical testing. Allele origin: germline.
Comment: This variant is classified as benign based on ACMG/AMP sequence variant interpretation guidelines (Richards et al. 2015 PMID: 25741868, with internal and published modifications).